The following is an entry in ClinVar:

NM_001388419.1(KALRN):c.2964C>T (p.Leu988=)

Gene: KALRN (kalirin RhoGEF kinase; plus strand). Cytogenetic location: 3q21.2.
Variant type: single nucleotide variant.
Coding change: c.2964C>T on transcript NM_001388419.1 (MANE Select); coding-DNA position 2964, C replaced by T.
Protein change: p.Leu988=; no amino-acid change (leucine 988 retained).
Molecular consequence: synonymous variant. On other transcripts: non-coding transcript variant (2).
Genome position (GRCh38, 1-based): chr3:124,434,441, C>T. VCF-style: chr3-124434441-C-T. GRCh37 (hg19) VCF-style: chr3-124153288-C-T.
Other names: c.2958C>T, p.Leu986= (NM_001024660.5, NM_001322988.2, NM_001322992.2 and 1 more transcripts); c.2931C>T, p.Leu977= (NM_001322989.2); c.2919C>T, p.Leu973= (NM_001322990.2); c.2892C>T, p.Leu964= (NM_001322991.2); c.1035C>T, p.Leu345= (NM_001388412.1, NM_001388413.1); c.1008C>T, p.Leu336= (NM_001388414.1); c.996C>T, p.Leu332= (NM_001388415.1); c.969C>T, p.Leu323= (NM_001388416.1); and 2 more.
Identifiers: ClinVar variation 3042542 (VCV003042542.2), dbSNP rs548099484, ClinGen allele CA2579649.
Genomic context (GRCh38, chr3:124,434,441, plus strand): 5'-GCTCCAGGCCGGCCACTACGATGCCGATGCCATCCGGGAATGTGCTGAGAAGGTGGCCCT[C>T]CACTGGCAGCAGCTCATGCTGAAGATGGAAGACCGGCTAAAATTGGTCAATGCCTCTGTG-3'
Protein context (NP_001375348.1, residues 978-998): AIRECAEKVA[Leu988=]HWQQLMLKME

ClinVar aggregate classification (germline): Likely benign (0 of 4 stars; one submission).

Conditions:
KALRN-related disorder. Also called: KALRN-related condition.

Allele frequency attached by ClinVar (database versions not stated): TOPMed 0.00001; gnomAD 0.00005; gnomAD exomes 0.00013; ExAC 0.00021; 1000 Genomes Project 0.00040; 1000 Genomes Project 30x 0.00047.
gnomAD v4.1: 194 of 1,614,234 alleles (0.012%); highest among the groups gnomAD compares: South Asian, 0.14%; 1 homozygote.

Submission:

PreventionGenetics, part of Exact Sciences
Classification: Likely benign for KALRN-related condition. Last evaluated: 2019-07-01. Review status: no assertion criteria provided. Collection method: clinical testing. Allele origin: germline.
Comment: This variant is classified as likely benign based on ACMG/AMP sequence variant interpretation guidelines (Richards et al. 2015 PMID: 25741868, with internal and published modifications).